The following is an entry in ClinVar:

ClinVar aggregate classification (germline): Likely benign. Review status: criteria provided, multiple submitters, no conflicts (2 of 4 stars). 4 submissions from 4 submitters: Likely benign (4). Last evaluated 2024-08-08.

Conditions:
Cardiovascular phenotype. Identifiers: MedGen CN230736.
Dilated cardiomyopathy 2B. Identifiers: Orphanet 154, MedGen C3553409, MONDO:0013848, OMIM 614672.

Allele frequency attached by ClinVar (database versions not stated): gnomAD exomes 0.00001 and 0.00003; TOPMed 0.00001; ExAC 0.00002; ESP Exome Variant Server 0.00008.
gnomAD v4.1: 17 of 1,594,652 alleles (0.0011%); highest among the groups gnomAD compares: African/African-American, 0.0027%; no homozygotes.

Submissions (4):

Labcorp Genetics (formerly Invitae), Labcorp
Classification: Likely benign for Dilated cardiomyopathy 2B. Last evaluated: 2024-08-08. Review status: criteria provided, single submitter. Criteria: Invitae Variant Classification Sherloc (09022015). Collection method: clinical testing. Allele origin: germline.

Blueprint Genetics
Classification: Likely benign. Last evaluated: 2023-09-07. Review status: criteria provided, single submitter. Criteria: ACMG Guidelines, 2015. Collection method: clinical testing. Allele origin: germline.

Ambry Genetics
Classification: Likely benign for Cardiovascular phenotype. Last evaluated: 2022-12-23. Review status: criteria provided, single submitter. Criteria: Ambry Variant Classification Scheme 2023. Collection method: clinical testing. Allele origin: germline.

Laboratory for Molecular Medicine, Mass General Brigham Personalized Medicine
Classification: Likely benign. Last evaluated: 2012-03-19. Review status: criteria provided, single submitter. Criteria: LMM Criteria. Collection method: clinical testing. Allele origin: germline. Observed: 1 variant allele.
Comment: Pro201Pro in exon 4 of GATAD1: This variant is not expected to have clinical sig nificance because it does not alter an amino acid residue and is not located wit hin the splice consensus sequence. It has been identified in 1/3738 African Amer ican chromosomes from a broad population by the NHLBI Exome Sequencing Project (dbSNP rs150863199). Pro201Pro in exon 4 of GA TAD1 (rs150863199; allele frequency = 1/3738) **

NM_021167.5(GATAD1):c.603C>T (p.Pro201=)

Gene: GATAD1 (GATA zinc finger domain containing 1; plus strand). Cytogenetic location: 7q21.2.
Variant type: single nucleotide variant.
Coding change: c.603C>T on transcript NM_021167.5 (MANE Select); coding-DNA position 603, C replaced by T.
Protein change: p.Pro201=; no amino-acid change (proline 201 retained).
Molecular consequence: synonymous variant. On other transcripts: non-coding transcript variant (1).
Genome position (GRCh38, 1-based): chr7:92,454,669, C>T. VCF-style: chr7-92454669-C-T. GRCh37 (hg19) VCF-style: chr7-92083983-C-T.
Identifiers: ClinVar variation 163498 (VCV000163498.14), dbSNP rs150863199, ClinGen allele CA176132.